The following is an entry in ClinVar:

ClinVar aggregate classification (germline): Pathogenic. Review status: criteria provided, multiple submitters, no conflicts (2 of 4 stars). 3 submissions from 3 submitters: Pathogenic (3). Last evaluated 2025-12-28.

Conditions:
Bardet-Biedl syndrome 1 (BBS1). Identifiers: MedGen C2936862, MONDO:0008854, OMIM 209900. Disease mechanism: loss of function.
ARL6-related disorder. Also called: ARL6-related condition.
Retinitis pigmentosa 55 (RP55). Identifiers: Orphanet 791, MedGen C3150808, MONDO:0013312, OMIM 613575.
Bardet-Biedl syndrome 3 (BBS3). Identifiers: Orphanet 110, MedGen C1859564, MONDO:0010832, OMIM 600151.

Allele frequency attached by ClinVar (database versions not stated): gnomAD exomes below 0.00001; ExAC 0.00001.
gnomAD v4.1: 4 of 1,612,562 alleles (0.00025%); highest among the groups gnomAD compares: Non-Finnish European, 0.00025%; no homozygotes.

Submissions (3):

PreventionGenetics, part of Exact Sciences
Classification: Pathogenic for ARL6-related condition. Last evaluated: 2025-12-28. Review status: criteria provided, single submitter. Criteria: ACMG Guidelines, 2015. Collection method: clinical testing. Allele origin: germline.
Comment: The ARL6 c.4G>T variant is predicted to result in premature protein termination (p.Gly2*). This variant has been reported in the homozygous state in a consanguineous family with Bardet-Biedl syndrome (Pereiro et al 2010. PubMed ID: 20142850; Álvarez-Satta et al. 2017. PubMed ID: 28502102). This variant is reported in 0.00088% of alleles in individuals of European (Non-Finnish) descent in gnomAD and is interpreted as pathogenic in ClinVar (Variation ID: 1075539). Nonsense variants in ARL6 are expected to be pathogenic. This variant is interpreted as pathogenic.

Labcorp Genetics (formerly Invitae), Labcorp
Classification: Pathogenic for Retinitis pigmentosa 55; Bardet-Biedl syndrome 3. Last evaluated: 2023-06-10. Review status: criteria provided, single submitter. Criteria: Invitae Variant Classification Sherloc (09022015). Collection method: clinical testing. Allele origin: germline.
Comment: This sequence change creates a premature translational stop signal (p.Gly2*) in the ARL6 gene. It is expected to result in an absent or disrupted protein product. Loss-of-function variants in ARL6 are known to be pathogenic (PMID: 15258860, 19858128, 20142850, 22334370, 27486776, 31736247). The frequency data for this variant in the population databases is considered unreliable, as metrics indicate poor data quality at this position in the gnomAD database. This premature translational stop signal has been observed in individual(s) with Bardet-Biedl syndrome (PMID: 20142850). It has also been observed to segregate with disease in related individuals. ClinVar contains an entry for this variant (Variation ID: 1075539). For these reasons, this variant has been classified as Pathogenic.

Mendelics
Classification: Pathogenic for Bardet-Biedl syndrome 1. Last evaluated: 2022-05-04. Review status: criteria provided, single submitter. Criteria: Mendelics Assertion Criteria 2019. Collection method: clinical testing. Allele origin: germline.

Literature cited by the submitters: PubMed 15258860 (cited by Labcorp Genetics (formerly Invitae), Labcorp); PubMed 19858128 (cited by Labcorp Genetics (formerly Invitae), Labcorp); PubMed 20142850 (cited by Labcorp Genetics (formerly Invitae), Labcorp); PubMed 22334370 (cited by Labcorp Genetics (formerly Invitae), Labcorp); PubMed 27486776 (cited by Labcorp Genetics (formerly Invitae), Labcorp); PubMed 31736247 (cited by Labcorp Genetics (formerly Invitae), Labcorp).

NM_001278293.3(ARL6):c.4G>T (p.Gly2Ter)

Gene: ARL6 (ARF like GTPase 6; plus strand). Cytogenetic location: 3q11.2.
Variant type: single nucleotide variant.
Coding change: c.4G>T on transcript NM_001278293.3 (MANE Select); coding-DNA position 4, G replaced by T.
Protein change: p.Gly2Ter; replaces glycine 2 with a stop codon.
Molecular consequence: nonsense. On other transcripts: non-coding transcript variant (7).
Genome position (GRCh38, 1-based): chr3:97,768,111, G>T. VCF-style: chr3-97768111-G-T. GRCh37 (hg19) VCF-style: chr3-97486955-G-T.
Other names: c.4G>T, p.Gly2Ter (NM_001323513.2, NM_001323514.2, NM_032146.5 and 1 more transcripts); short protein forms G2*.
Identifiers: ClinVar variation 1075539 (VCV001075539.8), dbSNP rs771628868, ClinGen allele CA2505833.